The following is an entry in ClinVar:

NM_016648.4(LARP7):c.64_65del (p.Glu22fs)

Gene: LARP7 (La ribonucleoprotein 7, transcriptional regulator; plus strand). Cytogenetic location: 4q25.
Variant type: Deletion.
Coding change: c.64_65del on transcript NM_016648.4 (MANE Select); coding-DNA positions 64 to 65, 2 bases deleted (GA; older notation c.64_65delGA).
Protein change: p.Glu22fs; shifts the reading frame from glutamic acid 22.
Molecular consequence: frameshift variant. On other transcripts: 5 prime UTR variant (2).
Genome position (GRCh38, 1-based): chr4:112,644,733-112,644,734, GA deleted; deleting any 2 consecutive bases within chr4:112,644,732-112,644,734 gives the same sequence; the c. name uses the placement nearest the transcript's 3' end. VCF-style (leftmost placement, unchanged base first): chr4-112644731-AAG-A. GRCh37 (hg19) VCF-style: chr4-113565887-AAG-A.
Other names: c.85_86delGA (NM_001267039.1); c.64_65del, p.Glu22fs (NM_001267039.4, NM_001370974.1, NM_001370975.1 and 6 more transcripts); c.-71_-70del (NM_001370981.1, NM_001370982.1); short protein forms E22fs.
Identifiers: ClinVar variation 1308663 (VCV001308663.5), dbSNP rs752178257, ClinGen allele CA3048925.

ClinVar aggregate classification (germline): Pathogenic. Review status: criteria provided, multiple submitters, no conflicts (2 of 4 stars). 3 submissions from 3 submitters: Pathogenic (2). 1 of the submissions does not count toward it. Last evaluated 2025-04-11.

Conditions:
LARP7-related disorder. Also called: LARP7-related condition.
Microcephalic primordial dwarfism, Alazami type. Also called: Alazami syndrome; FACIAL DYSMORPHISM, INTELLECTUAL DISABILITY, AND PRIMORDIAL DWARFISM. Identifiers: Orphanet 319671, MedGen C3554439, MONDO:0014031, OMIM 615071.

Submissions (3):

GeneDx
Classification: Pathogenic. Last evaluated: 2025-04-11. Review status: criteria provided, single submitter. Criteria: GeneDx Variant Classification Process June 2021. Collection method: clinical testing. Allele origin: germline.
Comment: Frameshift variant predicted to result in protein truncation or nonsense mediated decay in a gene for which loss-of-function is a known mechanism of disease; Has not been previously published as pathogenic or benign to our knowledge

Equipe Genetique des Anomalies du Developpement, Université de Bourgogne
Classification: Pathogenic for Microcephalic primordial dwarfism, Alazami type. Last evaluated: 2021-10-18. Review status: criteria provided, single submitter. Criteria: ACMG Guidelines, 2015. Collection method: clinical testing. Allele origin: paternal. Affected: yes.

PreventionGenetics, part of Exact Sciences
Classification: Likely pathogenic for LARP7-related condition. Last evaluated: 2024-08-28. Review status: no assertion criteria provided. Collection method: clinical testing. Allele origin: germline. Not counted in ClinVar's aggregate classification.
Comment: The LARP7 c.85_86delGA variant is predicted to result in a frameshift and premature protein termination (p.Glu29Serfs*2). To our knowledge, this variant has not been reported in the literature. This variant is reported in 0.0083% of alleles in individuals of African descent in gnomAD. Frameshift variants in LARP7 are expected to be pathogenic. This variant is interpreted as likely pathogenic.